The following is an entry in ClinVar:

ClinVar aggregate classification (germline): Uncertain significance (1 of 4 stars; one submission).

gnomAD v4.1: 1 of 1,614,166 alleles (0.000062%); highest among the groups gnomAD compares: Non-Finnish European, 0.000085%; no homozygotes.

Submission:

Labcorp Genetics (formerly Invitae), Labcorp
Classification: Uncertain significance. Last evaluated: 2025-08-12. Review status: criteria provided, single submitter. Criteria: Invitae Variant Classification Sherloc (09022015). Collection method: clinical testing. Allele origin: germline.
Comment: This sequence change replaces arginine, which is basic and polar, with serine, which is neutral and polar, at codon 75 of the ANG protein (p.Arg75Ser). This variant is not present in population databases (gnomAD no frequency). This variant has not been reported in the literature in individuals affected with ANG-related conditions. An algorithm developed to predict the effect of missense changes on protein structure and function outputs the following: PolyPhen-2: "Benign". The serine amino acid residue is found in multiple mammalian species, which suggests that this missense change does not adversely affect protein function. In summary, the available evidence is currently insufficient to determine the role of this variant in disease. Therefore, it has been classified as a Variant of Uncertain Significance.

NM_001097577.3(ANG):c.223C>A (p.Arg75Ser)

Genes: ANG (angiogenin; plus strand), EGILA (EGFR interacting lncRNA; minus strand), RNASE4 (ribonuclease A family member 4; plus strand). Cytogenetic location: 14q11.2.
Variant type: single nucleotide variant.
Coding change: c.223C>A on transcript NM_001097577.3 (MANE Select); coding-DNA position 223, C replaced by A.
Protein change: p.Arg75Ser; replaces arginine 75 with serine.
Molecular consequence: missense variant. On other transcripts: intron variant (4).
Genome position (GRCh38, 1-based): chr14:20,693,787, C>A. VCF-style: chr14-20693787-C-A. GRCh37 (hg19) VCF-style: chr14-21161946-C-A.
Other names: c.223C>A, p.Arg75Ser (NM_001145.4, NM_001385271.1, NM_001385272.1 and 2 more transcripts); c.-18+137C>A (NM_001282192.2); c.-17-5568C>A (NM_002937.5, NM_001282193.2); c.-18+4913C>A (NM_194431.3); short protein forms R75S.
Identifiers: ClinVar variation 4706257 (VCV004706257.1).